The following is an entry in ClinVar:

ClinVar aggregate classification (germline): Uncertain significance (1 of 4 stars; one submission).

Conditions:
Zellweger spectrum disorders (ZS). Also called: Zellweger Spectrum Disorder; Zellweger Spectrum; Zellweger Spectrum Disorder (ZSD); Zellweger syndrome. Identifiers: Orphanet 912, MedGen C0043459, MONDO:0019609.

Allele frequency attached by ClinVar (database versions not stated): gnomAD exomes below 0.00001.
gnomAD v4.1: 1 of 1,613,926 alleles (0.000062%); highest among the groups gnomAD compares: East Asian, 0.0022%; no homozygotes.

Submission:

Labcorp Genetics (formerly Invitae), Labcorp
Classification: Uncertain significance for Zellweger spectrum disorders. Last evaluated: 2022-09-27. Review status: criteria provided, single submitter. Criteria: Invitae Variant Classification Sherloc (09022015). Collection method: clinical testing. Allele origin: germline.
Comment: This sequence change replaces glutamic acid, which is acidic and polar, with glutamine, which is neutral and polar, at codon 645 of the PEX1 protein (p.Glu645Gln). This variant is not present in population databases (gnomAD no frequency). This variant has not been reported in the literature in individuals affected with PEX1-related conditions. Advanced modeling of protein sequence and biophysical properties (such as structural, functional, and spatial information, amino acid conservation, physicochemical variation, residue mobility, and thermodynamic stability) performed at Invitae indicates that this missense variant is not expected to disrupt PEX1 protein function. Algorithms developed to predict the effect of sequence changes on RNA splicing suggest that this variant may create or strengthen a splice site. In summary, the available evidence is currently insufficient to determine the role of this variant in disease. Therefore, it has been classified as a Variant of Uncertain Significance.

NM_000466.3(PEX1):c.1933G>C (p.Glu645Gln)

Gene: PEX1 (peroxisomal biogenesis factor 1; minus strand). Cytogenetic location: 7q21.2.
Variant type: single nucleotide variant.
Coding change: c.1933G>C on transcript NM_000466.3 (MANE Select); coding-DNA position 1933, G replaced by C.
Protein change: p.Glu645Gln; replaces glutamic acid 645 with glutamine.
Molecular consequence: missense variant. On other transcripts: intron variant (1).
Genome position (GRCh38, 1-based): chr7:92,504,870, C>G on the plus strand (G>C on the coding strand, the complement: PEX1 is on the minus strand). VCF-style: chr7-92504870-C-G. GRCh37 (hg19) VCF-style: chr7-92134184-C-G.
Other names: c.1309G>C, p.Glu437Gln (NM_001282678.2); c.1900+1378G>C (NM_001282677.2); short protein forms E437Q, E645Q.
Identifiers: ClinVar variation 2053805 (VCV002053805.1), dbSNP rs1792107504, ClinGen allele CA368184035.
Genomic context (GRCh38, chr7:92,504,870, plus strand): 5'-CAAGGTCATCCAGCAGGACAACAGATGGCTGCATCCACACTGCCTCTGAGAAAGCCACCT[C>G]TAGGGTTTTTTGTATGTTTTCAAGCCTTTTTCCTTAATACAGAAGATATGAAATGGTTTC-3'
Protein context (NP_000457.1, residues 635-655): KRLENIQKTL[Glu645Gln]VAFSEAVWMQ